The following is an entry in ClinVar:

NM_004415.4(DSP):c.1963A>G (p.Ile655Val)

Gene: DSP (desmoplakin; plus strand). Cytogenetic location: 6p24.3.
Variant type: single nucleotide variant.
Coding change: c.1963A>G on transcript NM_004415.4 (MANE Select); coding-DNA position 1963, A replaced by G.
Protein change: p.Ile655Val; replaces isoleucine 655 with valine.
Molecular consequence: missense variant.
Genome position (GRCh38, 1-based): chr6:7,571,901, A>G. VCF-style: chr6-7571901-A-G. GRCh37 (hg19) VCF-style: chr6-7572134-A-G.
Other names: c.1963A>G, p.Ile655Val (NM_001008844.3, NM_001319034.2); short protein forms I655V.
Identifiers: ClinVar variation 1783479 (VCV001783479.7), dbSNP rs148868379, ClinGen allele CA133960356.

ClinVar aggregate classification (germline): Uncertain significance. Review status: criteria provided, multiple submitters, no conflicts (2 of 4 stars). 2 submissions from 2 submitters: Uncertain significance (2). Last evaluated 2025-12-01.

Conditions:
Cardiovascular phenotype. Identifiers: MedGen CN230736.
Arrhythmogenic cardiomyopathy with wooly hair and keratoderma. Also called: PALMOPLANTAR KERATODERMA WITH LEFT VENTRICULAR CARDIOMYOPATHY AND WOOLLY HAIR; Carvajal syndrome; Dilated cardiomyopathy with woolly hair and keratoderma; Arrhythmogenic cardiomyopathy with woolly hair and keratoderma. Identifiers: Orphanet 65282, MedGen C1854063, MONDO:0011581, OMIM 605676.
Arrhythmogenic right ventricular dysplasia 8 (ARVD8). Also called: Arrhythmogenic Right Ventricular Dysplasia/Cardiomyopathy 8; ARRHYTHMOGENIC RIGHT VENTRICULAR DYSPLASIA, FAMILIAL, 8; ARRHYTHMOGENIC RIGHT VENTRICULAR CARDIOMYOPATHY 8. Identifiers: MedGen C1843896, MONDO:0011831, OMIM 607450.

Allele frequency attached by ClinVar (database versions not stated): gnomAD exomes below 0.00001.
gnomAD v4.1: 1 of 1,614,100 alleles (0.000062%); highest among the groups gnomAD compares: African/African-American, 0.0013%; no homozygotes.

Submissions (2):

Labcorp Genetics (formerly Invitae), Labcorp
Classification: Uncertain significance for Arrhythmogenic cardiomyopathy with wooly hair and keratoderma; Arrhythmogenic right ventricular dysplasia 8. Last evaluated: 2025-12-01. Review status: criteria provided, single submitter. Criteria: Invitae Variant Classification Sherloc (09022015). Collection method: clinical testing. Allele origin: germline.
Comment: This sequence change replaces isoleucine, which is neutral and non-polar, with valine, which is neutral and non-polar, at codon 655 of the DSP protein (p.Ile655Val). This variant is not present in population databases (gnomAD no frequency). This variant has not been reported in the literature in individuals affected with DSP-related conditions. ClinVar contains an entry for this variant (Variation ID: 1783479). An algorithm developed to predict the effect of missense changes on protein structure and function (PolyPhen-2) suggests that this variant is likely to be tolerated. In summary, the available evidence is currently insufficient to determine the role of this variant in disease. Therefore, it has been classified as a Variant of Uncertain Significance.

Ambry Genetics
Classification: Uncertain significance for Cardiovascular phenotype. Last evaluated: 2022-07-06. Review status: criteria provided, single submitter. Criteria: Ambry Variant Classification Scheme 2023. Collection method: clinical testing. Allele origin: germline.
Comment: The p.I655V variant (also known as c.1963A>G), located in coding exon 15 of the DSP gene, results from an A to G substitution at nucleotide position 1963. The isoleucine at codon 655 is replaced by valine, an amino acid with highly similar properties. This amino acid position is conserved. In addition, this alteration is predicted to be tolerated by in silico analysis. Since supporting evidence is limited at this time, the clinical significance of this alteration remains unclear.